The following is an entry in ClinVar:

NM_004984.4(KIF5A):c.1223G>A (p.Arg408His)

Gene: KIF5A (kinesin family member 5A; plus strand). Cytogenetic location: 12q13.3.
Variant type: single nucleotide variant.
Coding change: c.1223G>A on transcript NM_004984.4 (MANE Select); coding-DNA position 1223, G replaced by A.
Protein change: p.Arg408His; replaces arginine 408 with histidine.
Molecular consequence: missense variant.
Genome position (GRCh38, 1-based): chr12:57,570,092, G>A. VCF-style: chr12-57570092-G-A. GRCh37 (hg19) VCF-style: chr12-57963875-G-A.
Other names: c.956G>A, p.Arg319His (NM_001354705.2); short protein forms R408H, R319H.
Identifiers: ClinVar variation 1440611 (VCV001440611.6), dbSNP rs1203347152, ClinGen allele CA385504182.

ClinVar aggregate classification (germline): Uncertain significance (1 of 4 stars; one submission).

Conditions:
Spastic paraplegia. Identifiers: MedGen C0037772, HP:0001258.

Allele frequency attached by ClinVar (database versions not stated): gnomAD exomes below 0.00001 and 0.00001; gnomAD 0.00001.

Submission:

Labcorp Genetics (formerly Invitae), Labcorp
Classification: Uncertain significance for Spastic paraplegia. Last evaluated: 2026-01-28. Review status: criteria provided, single submitter. Criteria: Invitae Variant Classification Sherloc (09022015). Collection method: clinical testing. Allele origin: germline.
Comment: This sequence change replaces arginine, which is basic and polar, with histidine, which is basic and polar, at codon 408 of the KIF5A protein (p.Arg408His). The frequency data for this variant in the population databases is considered unreliable, as metrics indicate poor data quality at this position in the gnomAD database. This missense change has been observed in individual(s) with KIF5A-related conditions (PMID: 38397244). ClinVar contains an entry for this variant (Variation ID: 1440611). Invitae Evidence Modeling of protein sequence and biophysical properties (such as structural, functional, and spatial information, amino acid conservation, physicochemical variation, residue mobility, and thermodynamic stability) indicates that this missense variant is not expected to disrupt KIF5A protein function with a negative predictive value of 95%. In summary, the available evidence is currently insufficient to determine the role of this variant in disease. Therefore, it has been classified as a Variant of Uncertain Significance.

Literature cited by the submitters: PubMed 38397244.